The following is an entry in ClinVar:

NM_001005498.4(RHBDF2):c.788C>T (p.Ser263Phe)

Gene: RHBDF2 (rhomboid 5 homolog 2; minus strand). Cytogenetic location: 17q25.1.
Variant type: single nucleotide variant.
Coding change: c.788C>T on transcript NM_001005498.4 (MANE Select); coding-DNA position 788, C replaced by T.
Protein change: p.Ser263Phe; replaces serine 263 with phenylalanine.
Molecular consequence: missense variant. On other transcripts: non-coding transcript variant (3).
Genome position (GRCh38, 1-based): chr17:76,477,670, G>A on the plus strand (C>T on the coding strand, the complement: RHBDF2 is on the minus strand). VCF-style: chr17-76477670-G-A. GRCh37 (hg19) VCF-style: chr17-74473752-G-A.
Other names: c.788C>T, p.Ser263Phe (NM_001376228.1, NM_001376229.1, NM_001376230.1); c.875C>T, p.Ser292Phe (NM_024599.5); short protein forms S292F, S263F.
Identifiers: ClinVar variation 325448 (VCV000325448.15), dbSNP rs116968311, ClinGen allele CA8787234.

ClinVar aggregate classification (germline): Benign. Review status: criteria provided, multiple submitters, no conflicts (2 of 4 stars). 3 submissions from 3 submitters: Benign (3). Last evaluated 2026-01-26.

Conditions:
Palmoplantar keratoderma-esophageal carcinoma syndrome (TOC). Also called: KERATOSIS PALMARIS ET PLANTARIS WITH ESOPHAGEAL CANCER; PALMOPLANTAR KERATODERMA WITH ESOPHAGEAL CANCER; Tylosis with Esophageal Cancer. Identifiers: Orphanet 2198, MedGen C1835664, MONDO:0007856, OMIM 148500.

Allele frequency attached by ClinVar (database versions not stated): ESP Exome Variant Server 0.00015; gnomAD 0.00434 and 0.00437; 1000 Genomes Project 0.00539; ExAC 0.00731; TOPMed 0.00804; gnomAD exomes 0.01019.
gnomAD v4.1: 3,972 of 1,613,984 alleles (0.25%); highest among the groups gnomAD compares: Admixed American, 6.2%; 147 homozygotes.

Submissions (3):

Labcorp Genetics (formerly Invitae), Labcorp
Classification: Benign. Last evaluated: 2026-01-26. Review status: criteria provided, single submitter. Criteria: Invitae Variant Classification Sherloc (09022015). Collection method: clinical testing. Allele origin: germline.

Illumina Laboratory Services, Illumina
Classification: Benign for Palmoplantar keratoderma-esophageal carcinoma syndrome. Last evaluated: 2018-01-13. Review status: criteria provided, single submitter. Criteria: ICSL Variant Classification Criteria 13 December 2019. Collection method: clinical testing. Allele origin: germline.
Comment: This variant was observed in the ICSL laboratory as part of a predisposition screen in an ostensibly healthy population. It had not been previously curated by ICSL or reported in the Human Gene Mutation Database (HGMD: prior to June 1st, 2018), and was therefore a candidate for classification through an automated scoring system. Utilizing variant allele frequency, disease prevalence and penetrance estimates, and inheritance mode, an automated score was calculated to assess if this variant is too frequent to cause the disease. Based on the score and internal cut-off values, a variant classified as benign is not then subjected to further curation. The score for this variant resulted in a classification of benign for this disease.

Breakthrough Genomics
Classification: Benign. Review status: criteria provided, single submitter. Criteria: ACMG Guidelines, 2015. Collection method: not provided. Allele origin: germline. Inheritance: Autosomal dominant inheritance. Affected: yes.